The following is an entry in ClinVar:

ClinVar aggregate classification (germline): Uncertain significance. Review status: criteria provided, multiple submitters, no conflicts (2 of 4 stars). 2 submissions from 2 submitters: Uncertain significance (2). Last evaluated 2026-07-27.

Conditions:
LAMA5-related disorder. Also called: LAMA5-Related Disorders; LAMA5-related condition.
Inborn genetic diseases. Identifiers: MedGen C0950123, MeSH D030342.

gnomAD v4.1: 11 of 1,280,130 alleles (0.00086%); highest among the groups gnomAD compares: Admixed American, 0.036%; no homozygotes.

Submissions (2):

PreventionGenetics, part of Exact Sciences
Classification: Uncertain significance for LAMA5-related condition. Last evaluated: 2026-07-27. Review status: criteria provided, single submitter. Criteria: ACMG Guidelines, 2015. Collection method: clinical testing. Allele origin: germline.
Comment: The LAMA5 c.247A>C variant is predicted to result in the amino acid substitution p.Lys83Gln. To our knowledge, this variant has not been reported in the literature. This variant is reported in 0.015% of alleles in individuals of Latino descent in gnomAD. At this time, the clinical significance of this variant is uncertain due to the absence of conclusive functional and genetic evidence.

Ambry Genetics
Classification: Uncertain significance for Inborn genetic diseases. Last evaluated: 2025-06-06. Review status: criteria provided, single submitter. Criteria: Ambry Variant Classification Scheme 2023. Collection method: clinical testing. Allele origin: germline.

NM_005560.6(LAMA5):c.247A>C (p.Lys83Gln)

Genes: LAMA5 (laminin subunit alpha 5; minus strand), LOC130066305 (ATAC-STARR-seq lymphoblastoid silent region 13109; plus strand). Cytogenetic location: 20q13.33.
Variant type: single nucleotide variant.
Coding change: c.247A>C on transcript NM_005560.6 (MANE Select); coding-DNA position 247, A replaced by C.
Protein change: p.Lys83Gln; replaces lysine 83 with glutamine.
Molecular consequence: missense variant.
Genome position (GRCh38, 1-based): chr20:62,366,999, T>G on the plus strand (A>C on the coding strand, the complement: LAMA5 is on the minus strand). VCF-style: chr20-62366999-T-G. GRCh37 (hg19) VCF-style: chr20-60942055-T-G.
Other names: c.247A>C (NM_005560.4); short protein forms K83Q.
Identifiers: ClinVar variation 4046043 (VCV004046043.2).